The following is an entry in ClinVar:

ClinVar aggregate classification (germline): Conflicting classifications of pathogenicity. Review status: criteria provided, conflicting classifications (1 of 4 stars). 3 submissions from 3 submitters: Likely pathogenic (1); Uncertain significance (1). 1 of the submissions does not count toward it. Last evaluated 2025-10-01.

Conditions:
OFD1-related disorder. Also called: OFD1-related condition.
Joubert syndrome. Also called: Familial aplasia of the vermis; JOUBERT-BOLTSHAUSER SYNDROME. Identifiers: Orphanet 475, MedGen C5979921, MONDO:0018772.
Orofaciodigital syndrome I (OFD1). Also called: Papillon-Leage and Psaume Syndrome; OFDS I; Oral-Facial-Digital Syndrome Type I. Identifiers: Orphanet 2750, MedGen C1510460, MONDO:0010702, OMIM 311200.
Retinitis pigmentosa 23 (RP23). Identifiers: Orphanet 791, MedGen C1419610, MONDO:0010320, OMIM 300424.

Submissions (3):

Labcorp Genetics (formerly Invitae), Labcorp
Classification: Uncertain significance for Orofaciodigital syndrome I; Joubert syndrome. Last evaluated: 2025-10-01. Review status: criteria provided, single submitter. Criteria: Invitae Variant Classification Sherloc (09022015). Collection method: clinical testing. Allele origin: germline.
Comment: This sequence change falls in intron 9 of the OFD1 gene. It does not directly change the encoded amino acid sequence of the OFD1 protein. The frequency data for this variant in the population databases is considered unreliable, as metrics indicate insufficient coverage at this position in the gnomAD database. This variant has been observed in individuals with retinitis pigmentosa (PMID: 22619378; internal data). It has also been observed to segregate with disease in related individuals. This variant is also known as IVS9+706A>G. ClinVar contains an entry for this variant (Variation ID: 101499). Algorithms developed to predict the effect of sequence changes on RNA splicing suggest that this variant may create or strengthen a splice site. In summary, the available evidence is currently insufficient to determine the role of this variant in disease. Therefore, it has been classified as a Variant of Uncertain Significance.

Blueprint Genetics
Classification: Likely pathogenic for OFD1-related disorders. Last evaluated: 2024-03-27. Review status: criteria provided, single submitter. Criteria: ACMG Guidelines, 2015. Collection method: clinical testing. Allele origin: germline. Affected: yes. Observed: 2 variant alleles.

OMIM
Classification: Pathogenic for RETINITIS PIGMENTOSA 23 (1 family). Last evaluated: 2012-08-15. Review status: no assertion criteria provided. Collection method: literature only. Allele origin: germline. Not counted in ClinVar's aggregate classification.

Literature cited by the submitters: PubMed 22619378 (cited by Labcorp Genetics (formerly Invitae), Labcorp and OMIM); PubMed 10892847 (cited by OMIM).

NM_003611.3(OFD1):c.935+706A>G

Gene: OFD1 (OFD1 centriole and centriolar satellite protein; plus strand). Cytogenetic location: Xp22.2.
Variant type: single nucleotide variant.
Coding change: c.935+706A>G on transcript NM_003611.3 (MANE Select); 706 bases into the intron after coding-DNA position 935, A replaced by G.
Molecular consequence: intron variant.
Genome position (GRCh38, 1-based): chrX:13,750,239, A>G. VCF-style: chrX-13750239-A-G. GRCh37 (hg19) VCF-style: chrX-13768358-A-G.
Other names: IVS9, A-G, +706; c.515+706A>G (NM_001330210.2); c.935+706A>G (NM_001330209.2).
Identifiers: ClinVar variation 101499 (VCV000101499.14), dbSNP rs730880283, ClinGen allele CA213088.